The following is an entry in ClinVar:

NM_024009.3(GJB3):c.219C>A (p.Asn73Lys)

Gene: GJB3 (gap junction protein beta 3; plus strand). Cytogenetic location: 1p34.3.
Variant type: single nucleotide variant.
Coding change: c.219C>A on transcript NM_024009.3 (MANE Select); coding-DNA position 219, C replaced by A.
Protein change: p.Asn73Lys; replaces asparagine 73 with lysine.
Molecular consequence: missense variant.
Genome position (GRCh38, 1-based): chr1:34,784,981, C>A. VCF-style: chr1-34784981-C-A. GRCh37 (hg19) VCF-style: chr1-35250582-C-A.
Other names: c.219C>A, p.Asn73Lys (NM_001005752.2); short protein forms N73K.
Identifiers: ClinVar variation 1306576 (VCV001306576.6), dbSNP rs762735971, ClinGen allele CA754777.

ClinVar aggregate classification (germline): Uncertain significance. Review status: criteria provided, multiple submitters, no conflicts (2 of 4 stars). 2 submissions from 2 submitters: Uncertain significance (2). Last evaluated 2025-07-11.

Allele frequency attached by ClinVar (database versions not stated): ExAC 0.00002; gnomAD exomes 0.00002 and 0.00005; gnomAD 0.00006 and 0.00007.
gnomAD v4.1: 88 of 1,614,126 alleles (0.0055%); highest among the groups gnomAD compares: Non-Finnish European, 0.0068%; no homozygotes.

Submissions (2):

GeneDx
Classification: Uncertain significance. Last evaluated: 2025-07-11. Review status: criteria provided, single submitter. Criteria: GeneDx Variant Classification Process June 2021. Collection method: clinical testing. Allele origin: germline. Affected: yes.
Comment: In silico analysis suggests that this missense variant does not alter protein structure/function; Has not been previously published as pathogenic or benign to our knowledge

Labcorp Genetics (formerly Invitae), Labcorp
Classification: Uncertain significance. Last evaluated: 2023-09-29. Review status: criteria provided, single submitter. Criteria: Invitae Variant Classification Sherloc (09022015). Collection method: clinical testing. Allele origin: germline.
Comment: In summary, the available evidence is currently insufficient to determine the role of this variant in disease. Therefore, it has been classified as a Variant of Uncertain Significance. Advanced modeling of protein sequence and biophysical properties (such as structural, functional, and spatial information, amino acid conservation, physicochemical variation, residue mobility, and thermodynamic stability) performed at Invitae indicates that this missense variant is not expected to disrupt GJB3 protein function. ClinVar contains an entry for this variant (Variation ID: 1306576). This variant has not been reported in the literature in individuals affected with GJB3-related conditions. This variant is present in population databases (rs762735971, gnomAD 0.006%). This sequence change replaces asparagine, which is neutral and polar, with lysine, which is basic and polar, at codon 73 of the GJB3 protein (p.Asn73Lys).